The following is an entry in ClinVar:

ClinVar aggregate classification (germline): Pathogenic. Review status: criteria provided, multiple submitters, no conflicts (2 of 4 stars). 2 submissions from 2 submitters: Pathogenic (2). Last evaluated 2025-12-01.

Conditions:
Epidermolysis bullosa simplex 3, localized or generalized intermediate, with BP230 deficiency (EBS3). Also called: Epidermolysis bullosa simplex due to BP230 deficiency; Epidermolysis bullosa simplex, autosomal recessive 2. Identifiers: Orphanet 412181, MedGen C3809470, MONDO:0014180, OMIM 615425.
Hereditary sensory and autonomic neuropathy type 6. Also called: Neuropathy, hereditary sensory and autonomic, type VI; HSAN VI. Identifiers: Orphanet 314381, MedGen C3539003, MONDO:0013839, OMIM 614653.

Allele frequency attached by ClinVar (database versions not stated): gnomAD exomes 0.00001 and 0.00002; TOPMed 0.00004; gnomAD 0.00010.

Submissions (2):

CeGaT Center for Human Genetics Tuebingen
Classification: Pathogenic. Last evaluated: 2025-12-01. Review status: criteria provided, single submitter. Criteria: CeGaT Center For Human Genetics Tuebingen Variant Classification Criteria Version 2. Collection method: clinical testing. Allele origin: germline. Affected: yes. Observed: 1 variant allele.
Comment: DST: PVS1, PM2

Labcorp Genetics (formerly Invitae), Labcorp
Classification: Pathogenic for Epidermolysis bullosa simplex 3, localized or generalized intermediate, with BP230 deficiency; Hereditary sensory and autonomic neuropathy type 6. Last evaluated: 2021-01-21. Review status: criteria provided, single submitter. Criteria: Invitae Variant Classification Sherloc (09022015). Collection method: clinical testing. Allele origin: germline.
Comment: For these reasons, this variant has been classified as Pathogenic. This variant has not been reported in the literature in individuals with DST-related conditions. This variant is not present in population databases (ExAC no frequency). This sequence change creates a premature translational stop signal (p.Ala1128Glufs*13) in the DST gene. It is expected to result in an absent or disrupted protein product. Loss-of-function variants in DST are known to be pathogenic (PMID: 22522446, 25059916, 30371979).

Literature cited by the submitters: PubMed 22522446 (cited by Labcorp Genetics (formerly Invitae), Labcorp); PubMed 25059916 (cited by Labcorp Genetics (formerly Invitae), Labcorp); PubMed 30371979 (cited by Labcorp Genetics (formerly Invitae), Labcorp).

NM_001723.7(DST):c.3383del (p.Ala1128fs)

Gene: DST (dystonin; minus strand). Cytogenetic location: 6p12.1.
Variant type: Deletion.
Coding change: c.3383del on transcript NM_001723.7 (MANE Plus Clinical); coding-DNA position 3383, one base deleted (C; older notation c.3383delC).
Protein change: p.Ala1128fs; shifts the reading frame from alanine 1128.
Molecular consequence: frameshift variant. On other transcripts: intron variant (10).
Genome position (GRCh38, 1-based): chr6:56,620,651, G deleted on the plus strand (C on the coding strand, the reverse complement: DST is on the minus strand). VCF-style (leftmost placement, unchanged base first): chr6-56620650-TG-T. GRCh37 (hg19) VCF-style: chr6-56485448-TG-T.
Other names: c.4956+3879del (NM_001374734.1); c.4416+3879del (NM_001144770.2); c.4296+3879del (NM_001374730.1, NM_001386100.1, NM_183380.4 and 1 more transcripts); c.3318+3879del (NM_015548.5); c.4830+3879del (NM_001144769.5); c.4929+3879del (NM_001374722.1, NM_001374736.1); short protein forms A1128fs.
Identifiers: ClinVar variation 1459548 (VCV001459548.11), dbSNP rs1426568243, ClinGen allele CA567638561.